The following is an entry in ClinVar:

NM_024339.5(THOC6):c.813T>C (p.Ile271=)

Gene: THOC6 (THO complex subunit 6; plus strand). Cytogenetic location: 16p13.3.
Variant type: single nucleotide variant.
Coding change: c.813T>C on transcript NM_024339.5 (MANE Select); coding-DNA position 813, T replaced by C.
Protein change: p.Ile271=; no amino-acid change (isoleucine 271 retained).
Molecular consequence: synonymous variant. On other transcripts: intron variant (1).
Genome position (GRCh38, 1-based): chr16:3,027,368, T>C. VCF-style: chr16-3027368-T-C. GRCh37 (hg19) VCF-style: chr16-3077369-T-C.
Other names: c.741T>C, p.Ile247= (NM_001347703.2); c.813T>C, p.Ile271= (NM_001347704.2); c.810+88T>C (NM_001142350.3).
Identifiers: ClinVar variation 2646098 (VCV002646098.24), dbSNP rs2506482878, ClinGen allele CA493377712.
Genomic context (GRCh38, chr16:3,027,368, plus strand): 5'-CCCCCACTGACTCTTCCCTTCAGTCCTGACCCCTGAGCACCTTCCCTGTCCTCTGCAGAT[T>C]CTGTCAGCTGGCCAGGGCCGCTGCGTCAACCAGTGGCAGCTGAGCGGGGAGCTGAAGGCC-3'
Protein context (NP_077315.2, residues 261-281): QKHVTFYQDL[Ile271=]LSAGQGRCVN

ClinVar aggregate classification (germline): Likely benign (1 of 4 stars; one submission).

Submission:

CeGaT Center for Human Genetics Tuebingen
Classification: Likely benign. Last evaluated: 2022-05-01. Review status: criteria provided, single submitter. Criteria: CeGaT Center For Human Genetics Tuebingen Variant Classification Criteria Version 2. Collection method: clinical testing. Allele origin: germline. Affected: yes. Observed: 1 variant allele.
Comment: THOC6: PM2:Supporting, BP4, BP7